The following is an entry in ClinVar:

NM_014994.3(MAPKBP1):c.2493C>G (p.Ser831=)

Gene: MAPKBP1 (mitogen-activated protein kinase binding protein 1; plus strand). Cytogenetic location: 15q15.1.
Variant type: single nucleotide variant.
Coding change: c.2493C>G on transcript NM_014994.3 (MANE Select); coding-DNA position 2493, C replaced by G.
Protein change: p.Ser831=; no amino-acid change (serine 831 retained).
Molecular consequence: synonymous variant. On other transcripts: non-coding transcript variant (2).
Genome position (GRCh38, 1-based): chr15:41,820,843, C>G. VCF-style: chr15-41820843-C-G. GRCh37 (hg19) VCF-style: chr15-42113041-C-G.
Other names: c.2511C>G, p.Ser837= (NM_001128608.2); c.2493C>G, p.Ser831= (NM_001265611.2).
Identifiers: ClinVar variation 3061676 (VCV003061676.2), dbSNP rs759014898, ClinGen allele CA7498296.

ClinVar aggregate classification (germline): Likely benign (0 of 4 stars; one submission).

Conditions:
MAPKBP1-related disorder. Also called: MAPKBP1-related condition.

gnomAD v4.1: 42 of 1,613,694 alleles (0.0026%); highest among the groups gnomAD compares: Non-Finnish European, 0.0034%; no homozygotes.

Submission:

PreventionGenetics, part of Exact Sciences
Classification: Likely benign for MAPKBP1-related condition. Last evaluated: 2022-10-07. Review status: no assertion criteria provided. Collection method: clinical testing. Allele origin: germline.
Comment: This variant is classified as likely benign based on ACMG/AMP sequence variant interpretation guidelines (Richards et al. 2015 PMID: 25741868, with internal and published modifications).